The following is an entry in ClinVar:

NM_000517.6(HBA2):c.314G>A (p.Cys105Tyr)

Genes: HBA2 (hemoglobin subunit alpha 2; plus strand), LOC106804612 (hemoglobin subunit alpha 2 recombination region; plus strand). Cytogenetic location: 16p13.3.
Variant type: single nucleotide variant.
Coding change: c.314G>A on transcript NM_000517.6 (MANE Select); coding-DNA position 314, G replaced by A.
Protein change: p.Cys105Tyr; replaces cysteine 105 with tyrosine.
Molecular consequence: missense variant.
Genome position (GRCh38, 1-based): chr16:173,485, G>A. VCF-style: chr16-173485-G-A. GRCh37 (hg19) VCF-style: chr16-223484-G-A.
Other names: C104Y; p.Cys105Tyr; c.314G>A (NM_000517.4, NM_000517.5); short protein forms C105Y.
Identifiers: ClinVar variation 15656 (VCV000015656.36), dbSNP rs41417548, ClinGen allele CA125601.

ClinVar aggregate classification (germline): Pathogenic/Likely pathogenic. Review status: criteria provided, multiple submitters, no conflicts (2 of 4 stars). 9 submissions from 8 submitters: Pathogenic (4); Likely pathogenic (3). 2 of the submissions do not count toward it. Last evaluated 2025-10-15.

Conditions:
Hemoglobin H disease (HBH). Also called: ALPHA-THALASSEMIA, HEMOGLOBIN H TYPE; HEMOGLOBIN H DISEASE, DELETIONAL; Hemoglobin H (HbH) Disease. Identifiers: Orphanet 93616, MedGen C3161174, MONDO:0013512, OMIM 613978. Disease mechanism: loss of function.
Erythrocytosis, familial, 7. Also called: ERYTHROCYTOSIS, ALPHA-GLOBIN TYPE; POLYCYTHEMIA, ALPHA-GLOBIN TYPE; ERYTHROCYTOSIS 7. Identifiers: MedGen C4693823, MONDO:0054802, OMIM 617981.
Heinz body anemia. Also called: Heinz body hemolytic anemia. Identifiers: Orphanet 178330, MedGen C0700299, MONDO:0007705, OMIM 140700, HP:0005511.
alpha Thalassemia. Also called: Alpha thalassemia spectrum. Identifiers: Orphanet 846, MedGen C0002312, MONDO:0011399, OMIM 604131.
Hemoglobin H disease, nondeletional. Identifiers: MedGen C3279561.
HEMOGLOBIN SALLANCHES.

Allele frequency attached by ClinVar (database versions not stated): gnomAD exomes 0.00002; ExAC 0.00003.
gnomAD v4.1: 9 of 1,606,130 alleles (0.00056%); highest among the groups gnomAD compares: South Asian, 0.01%; no homozygotes.

Submissions (9):

Natera, Inc.
Classification: Pathogenic for Alpha thalassemia. Last evaluated: 2025-10-15. Review status: criteria provided, single submitter. Criteria: Natera Variant Classification Schema (03/2026). Collection method: clinical testing. Allele origin: germline.
Comment: The c.314G>A variant in HBA2 is a missense variant predicted to cause substitution of cysteine to tyrosine at amino acid 105. This variant is rare in the general population with a frequency below the threshold expected for the associated phenotype(s). This variant has been observed in one or more individuals affected with the associated recessive disease, as either homozygous or compound heterozygous with a second variant (PMID: 20113287, 10722113, 31930682). Additionally, this variant has been observed to segregate in affected family members (PMID: 10722113). A different variant at the same position has been determined to be Pathogenic or Likely Pathogenic. Computational prediction algorithms indicate this variant is likely to affect gene or protein function. Given the available evidence, this variant is classified as Pathogenic.

Quest Diagnostics Nichols Institute San Juan Capistrano
Classification: Likely pathogenic. Last evaluated: 2025-08-15. Review status: criteria provided, single submitter. Criteria: Quest Diagnostics criteria. Collection method: clinical testing. Allele origin: unknown.
Comment: The HBA2 c.314G>A (p.Cys105Tyr) variant has been reported in the published literature in the homozygous state in individuals with Hb H disease and hemolytic anemia (PMID: 8555062 (1995), 10722113 (2000), 16840231 (2006), 20113287 (2010), 26635043 (2016), 38504512 (2024)). Assessment of experimental evidence suggests this variant results in abnormal protein function (PMID: 8555062 (1995), HbVar). The frequency of this variant in the general population (Genome Aggregation Database) is uninformative in the assessment of its pathogenicity. Analysis of this variant using bioinformatics tools for the prediction of the effect of amino acid changes on protein structure and function yielded predictions that this variant is damaging. Based on the available information, this variant is classified as likely pathogenic.

Fulgent Genetics
Classification: Likely pathogenic for Heinz body anemia; alpha Thalassemia; Hemoglobin H disease; Erythrocytosis, familial, 7. Last evaluated: 2023-12-22. Review status: criteria provided, single submitter. Criteria: ACMG Guidelines, 2015. Collection method: clinical testing. Allele origin: germline.

Breakthrough Genomics
Classification: Pathogenic for Hemoglobin H disease. Last evaluated: 2023-07-13. Review status: criteria provided, single submitter. Criteria: ACMG Guidelines, 2015. Collection method: clinical testing. Allele origin: germline. Affected: yes.
Comment: This variant (also known as Hb Sallanches variant; Cys104Tyr) has been previously reported multiple individuals with Hemoglobin H disease in homozygous state [PMID: 11186268, 8555062, 10722113, 20113287]. Functional analyses showed the variant protein is unstable and display a defect in binding with alpha-hemoglobin stabilizing protein [31930682, 21950764].

CeGaT Center for Human Genetics Tuebingen
Classification: Pathogenic. Last evaluated: 2022-08-01. Review status: criteria provided, single submitter. Criteria: CeGaT Center For Human Genetics Tuebingen Variant Classification Criteria Version 2. Collection method: clinical testing. Allele origin: germline. Affected: yes. Observed: 1 variant allele.
Comment: HBA2: PM3:Very Strong, PM2, PP1:Moderate, PS3:Supporting

3billion
Classification: Pathogenic for alpha Thalassemia. Last evaluated: 2022-03-22. Review status: criteria provided, single submitter. Criteria: ACMG Guidelines, 2015. Collection method: clinical testing. Allele origin: germline. Affected: yes. Observed: 1 heterozygote.
Comment: Same nucleotide change resulting in same amino acid change has been previously reported to be associated with [GeneName] related disorder (ClinVar ID: VCV000015656, PMID:8555062). The variant has been observed in multiple (>3) similarly affected unrelated individuals (PMID: 10722113). A different missense change at the same codon has been reported as pathogenic/likely pathogenic with strong evidence (ClinVar ID: VCV000804215, PMID:23181747). In silico tool predictions suggest damaging effect of the variant on gene or gene product (REVEL: 0.678>=0.6). A missense variant is a common mechanism . Itis observed at an extremely low frequency in the gnomAD v2.1.1 dataset (total allele frequency: 0.0000202). Therefore, this variant is classified as pathogenic according to the recommendation of ACMG/AMP guideline.

ARUP Laboratories, Molecular Genetics and Genomics, ARUP Laboratories
Classification: Likely pathogenic. Last evaluated: 2021-04-09. Review status: criteria provided, single submitter. Criteria: ARUP Molecular Germline Variant Investigation Process 2021. Collection method: clinical testing. Allele origin: germline.
Comment: The Hb Sallanches variant (HBA2: c.314G>A; p.Cys105Tyr, also known as Cys104Tyr when numbered from the mature protein, rs41417548) is reported in the literature in the homozygous or compound heterozygous state in multiple individuals with Hb H disease (Hb Var and references therein, Sharma 2020). Functional analyses show the variant protein is unstable and display a defect in binding with alpha-hemoglobin stabilizing protein (Sharma 2020, Wajcman 2011). This variant is reported in ClinVar (Variation ID: 15656). This variant is found in the South Asian population with an allele frequency of 0.017% (5/30278 alleles) in the Genome Aggregation Database. The cysteine at codon 105 is moderately conserved, but computational analyses are uncertain whether this variant is neutral or deleterious (REVEL: 0.678). Based on available information, this variant is considered to be likely pathogenic. References: Hb Var for Hb Sallanches: Sharma P et al. HbH disease due to compound heterozygosity for hemoglobins Zürich-Albisrieden and Sallanches. Pediatr Blood Cancer. 2020 Apr;67(4):e28161. PMID: 31930682. Wajcman H et al. a-Hemoglobin stabilizing protein: a modulating factor in thalassemias? Hemoglobin. 2011;35(5-6):463-8. PMID: 21950764.

OMIM
Classification: other for HEMOGLOBIN SALLANCHES. Last evaluated: 2013-03-28. Review status: no assertion criteria provided. Collection method: literature only. Allele origin: germline. Not counted in ClinVar's aggregate classification.

OMIM
Classification: Pathogenic for HEMOGLOBIN H DISEASE, NONDELETIONAL. Last evaluated: 2000-02-01. Review status: no assertion criteria provided. Collection method: literature only. Allele origin: germline. Not counted in ClinVar's aggregate classification.

Literature cited by the submitters: PubMed 20113287 (cited by Natera, Inc.); PubMed 10722113 (cited by 4 submitters); PubMed 31930682 (cited by Natera, Inc.); PubMed 16840231 (cited by Quest Diagnostics Nichols Institute San Juan Capistrano); PubMed 23181747 (cited by Quest Diagnostics Nichols Institute San Juan Capistrano and 3billion); PubMed 8555062 (cited by 3 submitters); PubMed 38504512 (cited by Quest Diagnostics Nichols Institute San Juan Capistrano); PubMed 26635043 (cited by Quest Diagnostics Nichols Institute San Juan Capistrano).